The following is an entry in ClinVar:

NM_006648.4(WNK2):c.5395G>T (p.Val1799Phe)

Gene: WNK2 (WNK lysine deficient protein kinase 2; plus strand). Cytogenetic location: 9q22.31.
Variant type: single nucleotide variant.
Coding change: c.5395G>T on transcript NM_006648.4 (MANE Select); coding-DNA position 5395, G replaced by T.
Protein change: p.Val1799Phe; replaces valine 1799 with phenylalanine.
Molecular consequence: missense variant.
Genome position (GRCh38, 1-based): chr9:93,292,860, G>T. VCF-style: chr9-93292860-G-T. GRCh37 (hg19) VCF-style: chr9-96055142-G-T.
Other names: c.5506G>T, p.Val1836Phe (NM_001282394.3); short protein forms V1799F, V1836F.
Identifiers: ClinVar variation 4866616 (VCV004866616.1).

ClinVar aggregate classification (germline): Uncertain significance (1 of 4 stars; one submission).

Submission:

Ambry Genetics
Classification: Uncertain significance. Last evaluated: 2026-04-22. Review status: criteria provided, single submitter. Criteria: Ambry Variant Classification Scheme 2023. Collection method: clinical testing. Allele origin: germline.
Comment: The p.V1799F variant (also known as c.5395G>T), located in coding exon 22 of the WNK2 gene, results from a G to T substitution at nucleotide position 5395. The valine at codon 1799 is replaced by phenylalanine, an amino acid with highly similar properties. This amino acid position is conserved. In addition, this alteration is predicted to be tolerated by in silico analysis. Based on the available evidence, the clinical significance of this variant remains unclear.